The following is an entry in ClinVar:

NM_004608.4(TBX6):c.406C>T (p.Arg136Cys)

Gene: TBX6 (T-box transcription factor 6; minus strand). Cytogenetic location: 16p11.2.
Variant type: single nucleotide variant.
Coding change: c.406C>T on transcript NM_004608.4 (MANE Select); coding-DNA position 406, C replaced by T.
Protein change: p.Arg136Cys; replaces arginine 136 with cysteine.
Molecular consequence: missense variant.
Genome position (GRCh38, 1-based): chr16:30,089,158, G>A on the plus strand (C>T on the coding strand, the complement: TBX6 is on the minus strand). VCF-style: chr16-30089158-G-A. GRCh37 (hg19) VCF-style: chr16-30100479-G-A.
Other names: short protein forms R136C.
Identifiers: ClinVar variation 3018269 (VCV003018269.3), dbSNP rs201656580, ClinGen allele CA8001926.

ClinVar aggregate classification (germline): Uncertain significance (1 of 4 stars; one submission).

Allele frequency attached by ClinVar (database versions not stated): TOPMed 0.00002; gnomAD 0.00003; ExAC 0.00005; gnomAD exomes 0.00010; 1000 Genomes Project 30x 0.00016; 1000 Genomes Project 0.00020.
gnomAD v4.1: 142 of 1,614,082 alleles (0.0088%); highest among the groups gnomAD compares: East Asian, 0.28%; 2 homozygotes.

Submission:

Labcorp Genetics (formerly Invitae), Labcorp
Classification: Uncertain significance. Last evaluated: 2023-07-03. Review status: criteria provided, single submitter. Criteria: Invitae Variant Classification Sherloc (09022015). Collection method: clinical testing. Allele origin: germline.
Comment: In summary, the available evidence is currently insufficient to determine the role of this variant in disease. Therefore, it has been classified as a Variant of Uncertain Significance. Advanced modeling of protein sequence and biophysical properties (such as structural, functional, and spatial information, amino acid conservation, physicochemical variation, residue mobility, and thermodynamic stability) performed at Invitae indicates that this missense variant is not expected to disrupt TBX6 protein function. This variant has not been reported in the literature in individuals affected with TBX6-related conditions. This variant is present in population databases (rs201656580, gnomAD 0.06%), and has an allele count higher than expected for a pathogenic variant. This sequence change replaces arginine, which is basic and polar, with cysteine, which is neutral and slightly polar, at codon 136 of the TBX6 protein (p.Arg136Cys).